The following is an entry in ClinVar:

NM_020831.6(MRTFA):c.2014G>A (p.Gly672Ser)

Gene: MRTFA (myocardin related transcription factor A; minus strand). Cytogenetic location: 22q13.1.
Variant type: single nucleotide variant.
Coding change: c.2014G>A on transcript NM_020831.6 (MANE Select); coding-DNA position 2014, G replaced by A.
Protein change: p.Gly672Ser; replaces glycine 672 with serine.
Molecular consequence: missense variant.
Genome position (GRCh38, 1-based): chr22:40,418,724, C>T on the plus strand (G>A on the coding strand, the complement: MRTFA is on the minus strand). VCF-style: chr22-40418724-C-T. GRCh37 (hg19) VCF-style: chr22-40814728-C-T.
Other names: c.1714G>A, p.Gly572Ser (NM_001282660.2); c.1864G>A, p.Gly622Ser (NM_001282661.3); c.2014G>A, p.Gly672Ser (NM_001282662.3); c.1819G>A, p.Gly607Ser (NM_001318139.2); short protein forms G572S, G607S, G622S, G672S.
Identifiers: ClinVar variation 1683004 (VCV001683004.8), dbSNP rs746642099, ClinGen allele CA10249467.

ClinVar aggregate classification (germline): Conflicting classifications of pathogenicity. Review status: criteria provided, conflicting classifications (1 of 4 stars). 3 submissions from 3 submitters: Uncertain significance (2); Likely benign (1). Last evaluated 2026-01-27.

Allele frequency attached by ClinVar (database versions not stated): 1000 Genomes Project 30x 0.00047; TOPMed 0.00055; gnomAD exomes 0.00138 and 0.00194; ExAC 0.00272; gnomAD 0.00660 and 0.00669.
gnomAD v4.1: 1,099 of 538,750 alleles (0.2%); highest among the groups gnomAD compares: Middle Eastern, 0.52%; 1 homozygote.

Submissions (3):

Labcorp Genetics (formerly Invitae), Labcorp
Classification: Uncertain significance. Last evaluated: 2026-01-27. Review status: criteria provided, single submitter. Criteria: Invitae Variant Classification Sherloc (09022015). Collection method: clinical testing. Allele origin: germline.
Comment: This sequence change replaces glycine, which is neutral and non-polar, with serine, which is neutral and polar, at codon 572 of the MKL1 protein (p.Gly572Ser). The frequency data for this variant in the population databases is considered unreliable, as metrics indicate poor data quality at this position in the gnomAD database. This variant has not been reported in the literature in individuals affected with MKL1-related conditions. ClinVar contains an entry for this variant (Variation ID: 1683004). An algorithm developed to predict the effect of missense changes on protein structure and function outputs the following: PolyPhen-2: "Benign". The serine amino acid residue is found in multiple mammalian species, which suggests that this missense change does not adversely affect protein function. In summary, the available evidence is currently insufficient to determine the role of this variant in disease. Therefore, it has been classified as a Variant of Uncertain Significance.

Blueprint Genetics
Classification: Likely benign. Last evaluated: 2024-10-18. Review status: criteria provided, single submitter. Criteria: ACMG Guidelines, 2015. Collection method: clinical testing. Allele origin: germline.

Breakthrough Genomics
Classification: Uncertain significance. Review status: criteria provided, single submitter. Criteria: ACMG Guidelines, 2015. Collection method: not provided. Allele origin: germline. Inheritance: Autosomal dominant inheritance. Affected: yes.